The following is an entry in ClinVar:

ClinVar aggregate classification (germline): Uncertain significance (1 of 4 stars; one submission).

Allele frequency attached by ClinVar (database versions not stated): gnomAD 0.00001; gnomAD exomes 0.00001.
gnomAD v4.1: 15 of 1,613,322 alleles (0.00093%); highest among the groups gnomAD compares: Non-Finnish European, 0.0013%; no homozygotes.

Submission:

Labcorp Genetics (formerly Invitae), Labcorp
Classification: Uncertain significance. Last evaluated: 2022-04-29. Review status: criteria provided, single submitter. Criteria: Invitae Variant Classification Sherloc (09022015). Collection method: clinical testing. Allele origin: germline.
Comment: In summary, the available evidence is currently insufficient to determine the role of this variant in disease. Therefore, it has been classified as a Variant of Uncertain Significance. Algorithms developed to predict the effect of missense changes on protein structure and function are either unavailable or do not agree on the potential impact of this missense change (SIFT: "Tolerated"; PolyPhen-2: "Possibly Damaging"; Align-GVGD: "Class C0"). This variant has not been reported in the literature in individuals affected with LAMC3-related conditions. This variant is present in population databases (no rsID available, gnomAD 0.003%). This sequence change replaces alanine, which is neutral and non-polar, with valine, which is neutral and non-polar, at codon 360 of the LAMC3 protein (p.Ala360Val).

NM_006059.4(LAMC3):c.1079C>T (p.Ala360Val)

Gene: LAMC3 (laminin subunit gamma 3; plus strand). Cytogenetic location: 9q34.12.
Variant type: single nucleotide variant.
Coding change: c.1079C>T on transcript NM_006059.4 (MANE Select); coding-DNA position 1079, C replaced by T.
Protein change: p.Ala360Val; replaces alanine 360 with valine.
Molecular consequence: missense variant.
Genome position (GRCh38, 1-based): chr9:131,038,966, C>T. VCF-style: chr9-131038966-C-T. GRCh37 (hg19) VCF-style: chr9-133914353-C-T.
Other names: short protein forms A360V.
Identifiers: ClinVar variation 1930320 (VCV001930320.5), dbSNP rs1360797726, ClinGen allele CA375258986.